The following is an entry in ClinVar:

NM_000789.4(ACE):c.2165_2168del (p.Lys722fs)

Gene: ACE (angiotensin I converting enzyme; plus strand). Cytogenetic location: 17q23.3.
Variant type: Deletion.
Coding change: c.2165_2168del on transcript NM_000789.4 (MANE Select); coding-DNA positions 2165 to 2168, 4 bases deleted (AGAA; older notation c.2165_2168delAGAA).
Protein change: p.Lys722fs; shifts the reading frame from lysine 722.
Molecular consequence: frameshift variant. On other transcripts: non-coding transcript variant (1).
Genome position (GRCh38, 1-based): chr17:63,486,663-63,486,666, AGAA deleted; deleting any 4 consecutive bases within chr17:63,486,661-63,486,666 gives the same sequence; the c. name uses the placement nearest the transcript's 3' end. VCF-style (leftmost placement, unchanged base first): chr17-63486660-TAAAG-T. GRCh37 (hg19) VCF-style: chr17-61564021-TAAAG-T.
Other names: c.443_446del, p.Lys148fs (NM_001178057.2, NM_152830.3); c.1598_1601del, p.Lys533fs (NM_001382700.1); c.1313_1316del, p.Lys438fs (NM_001382701.1); c.95_98del, p.Lys32fs (NM_001382702.1); c.2165_2168delAGAA (NM_000789.4); short protein forms K148fs, K32fs, K438fs, K533fs, K722fs.
Identifiers: ClinVar variation 4849483 (VCV004849483.1).

ClinVar aggregate classification (germline): Likely pathogenic (1 of 4 stars; one submission).

Conditions:
Renal tubular dysgenesis of genetic origin. Also called: PRIMITIVE RENAL TUBULE SYNDROME. Identifiers: Orphanet 97369, MedGen C5681536, MONDO:0009970, OMIM 267430.

Submission:

First Genomix Gene Laboratory, Genetic Diagnostics Department
Classification: Likely pathogenic for Renal tubular dysgenesis of genetic origin. Last evaluated: 2025-05-22. Review status: criteria provided, single submitter. Criteria: ACMG Guidelines, 2015. Collection method: clinical testing. Allele origin: germline. Inheritance: Autosomal recessive inheritance. Affected: no. Observed: 1 variant allele.